The following is an entry in ClinVar:

ClinVar aggregate classification (germline): Conflicting classifications of pathogenicity. Review status: criteria provided, conflicting classifications (1 of 4 stars). 2 submissions from 2 submitters: Uncertain significance (1); Likely benign (1). Last evaluated 2023-09-25.

Conditions:
PRKCB-related disorder. Also called: PRKCB-related condition.

Allele frequency attached by ClinVar (database versions not stated): ESP Exome Variant Server 0.00015; ExAC 0.00017; gnomAD 0.00020; gnomAD exomes 0.00027; TOPMed 0.00028.
gnomAD v4.1: 419 of 1,614,060 alleles (0.026%); highest among the groups gnomAD compares: Non-Finnish European, 0.033%; no homozygotes.

Submissions (2):

PreventionGenetics, part of Exact Sciences
Classification: Uncertain significance for PRKCB-related condition. Last evaluated: 2023-09-25. Review status: criteria provided, single submitter. Criteria: ACMG Guidelines, 2015. Collection method: clinical testing. Allele origin: germline.
Comment: The PRKCB c.995G>C variant is predicted to result in the amino acid substitution p.Gly332Ala. To our knowledge, this variant has not been reported in the literature. This variant is reported in 0.036% of alleles in individuals of European (Non-Finnish) descent in gnomAD. At this time, the clinical significance of this variant is uncertain due to the absence of conclusive functional and genetic evidence.

CeGaT Center for Human Genetics Tuebingen
Classification: Likely benign. Last evaluated: 2023-05-01. Review status: criteria provided, single submitter. Criteria: CeGaT Center For Human Genetics Tuebingen Variant Classification Criteria Version 2. Collection method: clinical testing. Allele origin: germline. Affected: yes. Observed: 1 variant allele.
Comment: PRKCB: PP2, BS2

NM_002738.7(PRKCB):c.995G>C (p.Gly332Ala)

Gene: PRKCB (protein kinase C beta; plus strand). Cytogenetic location: 16p12.2.
Variant type: single nucleotide variant.
Coding change: c.995G>C on transcript NM_002738.7 (MANE Select); coding-DNA position 995, G replaced by C.
Protein change: p.Gly332Ala; replaces glycine 332 with alanine.
Molecular consequence: missense variant.
Genome position (GRCh38, 1-based): chr16:24,123,911, G>C. VCF-style: chr16-24123911-G-C. GRCh37 (hg19) VCF-style: chr16-24135232-G-C.
Other names: c.995G>C (NM_212535.2); c.995G>C, p.Gly332Ala (NM_212535.3); short protein forms G332A.
Identifiers: ClinVar variation 2570935 (VCV002570935.27), dbSNP rs149128755, ClinGen allele CA7966370.